The following is an entry in ClinVar:

NM_001384732.1(CPLANE1):c.8408G>T (p.Gly2803Val)

Gene: CPLANE1 (ciliogenesis and planar polarity effector complex subunit 1; minus strand). Cytogenetic location: 5p13.2.
Variant type: single nucleotide variant.
Coding change: c.8408G>T on transcript NM_001384732.1 (MANE Select); coding-DNA position 8408, G replaced by T.
Protein change: p.Gly2803Val; replaces glycine 2803 with valine.
Molecular consequence: missense variant.
Genome position (GRCh38, 1-based): chr5:37,148,234, C>A on the plus strand (G>T on the coding strand, the complement: CPLANE1 is on the minus strand). VCF-style: chr5-37148234-C-A. GRCh37 (hg19) VCF-style: chr5-37148336-C-A.
Other names: c.8246G>T, p.Gly2749Val (NM_023073.4); short protein forms G2749V, G2803V.
Identifiers: ClinVar variation 2506821 (VCV002506821.1), dbSNP rs2547193566, ClinGen allele CA359473348.

ClinVar aggregate classification (germline): Uncertain significance (1 of 4 stars; one submission).

Allele frequency attached by ClinVar (database versions not stated): gnomAD exomes 0.00001.
gnomAD v4.1: 7 of 1,611,722 alleles (0.00043%); highest among the groups gnomAD compares: South Asian, 0.0011%; no homozygotes.

Submission:

GeneDx
Classification: Uncertain significance. Last evaluated: 2022-12-21. Review status: criteria provided, single submitter. Criteria: GeneDx Variant Classification Process June 2021. Collection method: clinical testing. Allele origin: germline. Affected: yes.
Comment: Not observed at significant frequency in large population cohorts (gnomAD); In silico analysis supports that this missense variant does not alter protein structure/function; Has not been previously published as pathogenic or benign to our knowledge